The following is an entry in ClinVar:

NM_007294.4(BRCA1):c.4892G>A (p.Ser1631Asn)

Gene: BRCA1 (BRCA1 DNA repair associated; minus strand). Cytogenetic location: 17q21.31.
Variant type: single nucleotide variant.
Coding change: c.4892G>A on transcript NM_007294.4 (MANE Select); coding-DNA position 4892, G replaced by A.
Protein change: p.Ser1631Asn; replaces serine 1631 with asparagine.
Molecular consequence: missense variant. On other transcripts: non-coding transcript variant (1).
Genome position (GRCh38, 1-based): chr17:43,071,022, C>T on the plus strand (G>A on the coding strand, the complement: BRCA1 is on the minus strand). VCF-style: chr17-43071022-C-T. GRCh37 (hg19) VCF-style: chr17-41223039-C-T.
Other names: c.4766G>A, p.Ser1589Asn (NM_001407672.1, NM_001407673.1, NM_001407674.1 and 11 more transcripts); c.4763G>A, p.Ser1588Asn (NM_001407681.1, NM_001407682.1, NM_001407683.1 and 6 more transcripts); c.4889G>A, p.Ser1630Asn (NM_001407612.1, NM_001407613.1, NM_001407614.1 and 17 more transcripts); c.4886G>A, p.Ser1629Asn (NM_001407631.1, NM_001407632.1, NM_001407633.1 and 14 more transcripts); c.4814G>A, p.Ser1605Asn (NM_001407653.1, NM_001407654.1, NM_001407655.1); c.4811G>A, p.Ser1604Asn (NM_001407656.1, NM_001407657.1, NM_001407658.1); c.4808G>A, p.Ser1603Asn (NM_001407659.1, NM_001407660.1, NM_001407661.1 and 2 more transcripts); c.4760G>A, p.Ser1587Asn (NM_001407691.1, NM_001407690.1); and 70 more; short protein forms S1631N, S527N, S1584N, S1652N, S1502N, S1503N, S1518N, S1520N.
Identifiers: ClinVar variation 55309 (VCV000055309.23), dbSNP rs273901742, ClinGen allele CA003067.

ClinVar aggregate classification (germline): Conflicting classifications of pathogenicity. Review status: criteria provided, conflicting classifications (1 of 4 stars). 6 submissions from 6 submitters: Uncertain significance (4); Likely benign (1). 1 of the submissions does not count toward it. Last evaluated 2025-12-15.

Conditions:
Hereditary cancer-predisposing syndrome. Also called: Hereditary Cancer Syndrome; Hereditary neoplastic syndrome; Neoplastic Syndromes, Hereditary; Tumor predisposition. Identifiers: Orphanet 140162, MedGen C0027672, MeSH D009386, MONDO:0015356.
Hereditary breast ovarian cancer syndrome. Also called: BRCA1- and BRCA2-Associated Hereditary Breast and Ovarian Cancer; Hereditary breast and ovarian cancer syndrome; Hereditary breast and ovarian cancer syndrome (HBOC); Breast and ovarian cancer; Hereditary breast and/or ovarian cancer syndrome; Hereditary breast and ovarian cancer. Identifiers: Orphanet 145, MedGen C0677776, MeSH D061325, MONDO:0003582. Disease mechanism: loss of function.
Breast-ovarian cancer, familial, susceptibility to, 1 (BROVCA1). Also called: BRCA1 Hereditary Breast and Ovarian Cancer; OVARIAN CANCER, SUSCEPTIBILITY TO. Identifiers: Orphanet 145, MedGen C2676676, MONDO:0011450, OMIM 604370. Disease mechanism: loss of function.
BRCA1-related cancer predisposition. Identifiers: MedGen CN377757, MONDO:0700268.

Allele frequency attached by ClinVar (database versions not stated): gnomAD exomes 0.00001.
gnomAD v4.1: 3 of 1,614,238 alleles (0.00019%); highest among the groups gnomAD compares: East Asian, 0.0045%; no homozygotes.

Submissions (7):

Labcorp Genetics (formerly Invitae), Labcorp
Classification: Uncertain significance for Hereditary breast ovarian cancer syndrome. Last evaluated: 2025-12-15. Review status: criteria provided, single submitter. Criteria: Invitae Variant Classification Sherloc (09022015). Collection method: clinical testing. Allele origin: germline.
Comment: This sequence change replaces serine, which is neutral and polar, with asparagine, which is neutral and polar, at codon 1631 of the BRCA1 protein (p.Ser1631Asn). This variant is present in population databases (rs273901742, gnomAD 0.006%). This missense change has been observed in individual(s) with breast cancer (PMID: 18627636, 22486713, 32803532). ClinVar contains an entry for this variant (Variation ID: 55309). Invitae Evidence Modeling incorporating data from in vitro experimental studies (PMID: 30209399) indicates that this missense variant is not expected to disrupt BRCA1 function with a negative predictive value of 95%. Experimental studies are conflicting or provide insufficient evidence to determine the effect of this variant on BRCA1 function (PMID: 12496477, 30209399, 30765603). In summary, the available evidence is currently insufficient to determine the role of this variant in disease. Therefore, it has been classified as a Variant of Uncertain Significance.

All of Us Research Program, National Institutes of Health
Classification: Uncertain significance for BRCA1-related cancer predisposition. Last evaluated: 2024-08-06. Review status: criteria provided, single submitter. Criteria: ACMG Guidelines, 2015. Collection method: clinical testing. Allele origin: germline. Inheritance: Autosomal dominant inheritance. Observed: 1 variant allele, 1 heterozygote.
Comment: This study involves interpretation of variants in research participants for the purpose of population health screening. Participant phenotype was not available at the time of variant classification. Additional details can be found in publication PMID: 35346344, PMCID: PMC8962531

Ambry Genetics
Classification: Likely benign for Hereditary cancer-predisposing syndrome. Last evaluated: 2021-05-28. Review status: criteria provided, single submitter. Criteria: Ambry Variant Classification Scheme 2023. Collection method: clinical testing. Allele origin: germline.

Breast Center, Key Laboratory of Carcinogenesis and Translational Research
Classification: Uncertain significance for Hereditary breast and ovarian cancer syndrome. Last evaluated: 2020-05-01. Review status: criteria provided, single submitter. Criteria: ACMG Guidelines, 2015. Collection method: clinical testing. Allele origin: germline. Observed: 1 variant allele.

Color Diagnostics, LLC DBA Color Health
Classification: Uncertain significance for Hereditary cancer-predisposing syndrome. Last evaluated: 2019-04-06. Review status: criteria provided, single submitter. Criteria: ACMG Guidelines, 2015. Collection method: clinical testing. Allele origin: germline.

Breast Cancer Information Core (BIC) (BRCA1)
Classification: Uncertain significance for Breast-ovarian cancer, familial 1. Last evaluated: 2010-09-18. Review status: no assertion criteria provided. Collection method: clinical testing. Allele origin: germline. Affected: yes. Observed: 1 variant allele. Not counted in ClinVar's aggregate classification.

Brotman Baty Institute, University of Washington
No classification provided (evidence only). Condition: Breast-ovarian cancer, familial 1. Review status: no classification provided. Collection method: in vitro. Allele origin: not applicable. Functional consequence: functionally_normal. Not counted in ClinVar's aggregate classification.
ClinVar note: "not provided" was previously submitted as the classification for the variant. However, the classification appeared to be based only on an observation of functional data so it was converted to no classification on 2025-07-30.

Literature cited by the submitters: PubMed 18627636 (cited by Labcorp Genetics (formerly Invitae), Labcorp and Ambry Genetics); PubMed 22486713 (cited by Labcorp Genetics (formerly Invitae), Labcorp and Ambry Genetics); PubMed 32803532 (cited by Labcorp Genetics (formerly Invitae), Labcorp); PubMed 30209399 (cited by 3 submitters); PubMed 12496477 (cited by Labcorp Genetics (formerly Invitae), Labcorp and Ambry Genetics); PubMed 30765603 (cited by Labcorp Genetics (formerly Invitae), Labcorp and Ambry Genetics); PubMed 28781887 (cited by Ambry Genetics); PubMed 30702160 (cited by Ambry Genetics).